The following is an entry in ClinVar:

ClinVar aggregate classification (germline): Uncertain significance (1 of 4 stars; one submission).

Conditions:
Autosomal dominant nonsyndromic hearing loss 1. Also called: KONIGSMARK SYNDROME; DEAFNESS, AUTOSOMAL DOMINANT 1, WITH OR WITHOUT THROMBOCYTOPENIA. Identifiers: Orphanet 90635, MedGen C1852282, MONDO:0007424, OMIM 124900.
Progressive microcephaly-seizures-cortical blindness-developmental delay syndrome. Also called: Seizures, cortical blindness, and microcephaly syndrome. Identifiers: Orphanet 477814, MedGen C5567650, MONDO:0014714, OMIM 616632.

Submission:

Labcorp Genetics (formerly Invitae), Labcorp
Classification: Uncertain significance for Progressive microcephaly-seizures-cortical blindness-developmental delay syndrome; Autosomal dominant nonsyndromic hearing loss 1. Last evaluated: 2025-11-02. Review status: criteria provided, single submitter. Criteria: Invitae Variant Classification Sherloc (09022015). Collection method: clinical testing. Allele origin: germline.
Comment: This sequence change replaces methionine, which is neutral and non-polar, with isoleucine, which is neutral and non-polar, at codon 1107 of the DIAPH1 protein (p.Met1107Ile). This variant is not present in population databases (gnomAD no frequency). This variant has not been reported in the literature in individuals affected with DIAPH1-related conditions. ClinVar contains an entry for this variant (Variation ID: 2930479). An algorithm developed to predict the effect of missense changes on protein structure and function (PolyPhen-2) suggests that this variant is likely to be disruptive. In summary, the available evidence is currently insufficient to determine the role of this variant in disease. Therefore, it has been classified as a Variant of Uncertain Significance.

NM_005219.5(DIAPH1):c.3321G>C (p.Met1107Ile)

Gene: DIAPH1 (diaphanous related formin 1; minus strand). Cytogenetic location: 5q31.3.
Variant type: single nucleotide variant.
Coding change: c.3321G>C on transcript NM_005219.5 (MANE Select); coding-DNA position 3321, G replaced by C.
Protein change: p.Met1107Ile; replaces methionine 1107 with isoleucine.
Molecular consequence: missense variant.
Genome position (GRCh38, 1-based): chr5:141,526,414, C>G on the plus strand (G>C on the coding strand, the complement: DIAPH1 is on the minus strand). VCF-style: chr5-141526414-C-G. GRCh37 (hg19) VCF-style: chr5-140905981-C-G.
Other names: c.3294G>C, p.Met1098Ile (NM_001079812.3); c.3321G>C, p.Met1107Ile (NM_001314007.2); short protein forms M1098I, M1107I.
Identifiers: ClinVar variation 2930479 (VCV002930479.3), dbSNP rs2513618933, ClinGen allele CA361579062.